The following is an entry in ClinVar:

NM_001378457.1(DMXL2):c.5923A>G (p.Asn1975Asp)

Gene: DMXL2 (Dmx like 2; minus strand). Cytogenetic location: 15q21.2.
Variant type: single nucleotide variant.
Coding change: c.5923A>G on transcript NM_001378457.1 (MANE Select); coding-DNA position 5923, A replaced by G.
Protein change: p.Asn1975Asp; replaces asparagine 1975 with aspartic acid.
Molecular consequence: missense variant. On other transcripts: non-coding transcript variant (2).
Genome position (GRCh38, 1-based): chr15:51,481,183, T>C on the plus strand (A>G on the coding strand, the complement: DMXL2 is on the minus strand). VCF-style: chr15-51481183-T-C. GRCh37 (hg19) VCF-style: chr15-51773380-T-C.
Other names: c.5923A>G, p.Asn1975Asp (NM_001174116.3, NM_001378458.1, NM_001378459.1 and 4 more transcripts); c.4015A>G, p.Asn1339Asp (NM_001174117.3); c.3904A>G, p.Asn1302Asp (NM_001378460.1); c.5683A>G, p.Asn1895Asp (NM_001378464.1); short protein forms N1302D, N1339D, N1895D, N1975D.
Identifiers: ClinVar variation 2114497 (VCV002114497.4), dbSNP rs1595956286, ClinGen allele CA392444774.
Genomic context (GRCh38, chr15:51,481,183, plus strand): 5'-CAACAGCATCGTCTTCCTCTTCATCTAAGGCACTGTCGTGATCTTCACCCCAATCAAGAT[T>C]AAGAGGTTCCTCATCAACTTTTACTATTGGCTGACTCCAGTCATACTGTGATGAAGTTAC-3'
Protein context (NP_001365386.1, residues 1965-1985): PIVKVDEEPL[Asn1975Asp]LDWGEDHDSA

ClinVar aggregate classification (germline): Uncertain significance (1 of 4 stars; one submission).

Submission:

Labcorp Genetics (formerly Invitae), Labcorp
Classification: Uncertain significance. Last evaluated: 2022-03-19. Review status: criteria provided, single submitter. Criteria: Invitae Variant Classification Sherloc (09022015). Collection method: clinical testing. Allele origin: germline.
Comment: This sequence change replaces asparagine, which is neutral and polar, with aspartic acid, which is acidic and polar, at codon 1975 of the DMXL2 protein (p.Asn1975Asp). This variant is not present in population databases (gnomAD no frequency). This variant has not been reported in the literature in individuals affected with DMXL2-related conditions. Algorithms developed to predict the effect of missense changes on protein structure and function (SIFT, PolyPhen-2, Align-GVGD) all suggest that this variant is likely to be tolerated. In summary, the available evidence is currently insufficient to determine the role of this variant in disease. Therefore, it has been classified as a Variant of Uncertain Significance.